The following is an entry in ClinVar:

ClinVar aggregate classification (germline): Pathogenic (1 of 4 stars; one submission).

Conditions:
Glycine encephalopathy. Also called: Nonketotic hyperglycinemia; Non-ketotic hyperglycinemia. Identifiers: Orphanet 407, MedGen C0751748, MONDO:0011612, HP:0008288.

Submission:

Women's Health and Genetics/Laboratory Corporation of America, LabCorp
Classification: Pathogenic for Glycine encephalopathy. Last evaluated: 2025-12-30. Review status: criteria provided, single submitter. Criteria: LabCorp Variant Classification Summary - May 2015. Collection method: clinical testing. Allele origin: germline.
Comment: Variant summary: The variant involves the deletion of exons 5-15 in the GLDC gene. A presumed nomenclature of c.(635+1_636-1)_(1850+1_1851-1)del has been designated for the purposes of this classification. This Copy Number Variant (CNV) is predicted to result in an in-frame deletion within this gene. Loss-of-function variants in this gene are known to be pathogenic.The variant was absent in 21694 control chromosomes. A similar copy number variant has been observed in the compound heterozygous state in at least 1 individual with nonketotic hyperglycinemia (example, Swanson_2022). A missense variant within the deleted region has been classified as pathogenic by our laboratory (c.911C>T, p.Pro304Leu), suggesting that loss of this region of the protein is deleterious. The following publication has been ascertained in the context of this evaluation (PMID: 35357708). No submitters have cited clinical-significance assessments for this variant to ClinVar. Based on the evidence outlined above, the variant was classified as pathogenic.

Literature cited by the submitters: PubMed 35357708.

NC_000009.11:g.(6565430_6587140)_(6606670_6610191)del

Gene: GLDC (glycine decarboxylase; minus strand). Cytogenetic location: 9p24.1.
Variant type: Deletion.
Identifiers: ClinVar variation 4688700 (VCV004688700.1).